The following is an entry in ClinVar:

ClinVar aggregate classification (germline): Conflicting classifications of pathogenicity. Review status: criteria provided, conflicting classifications (1 of 4 stars). 2 submissions from 2 submitters: Uncertain significance (1); Likely benign (1). Last evaluated 2024-01-29.

Conditions:
KCNH1 associated disorder. Identifiers: MedGen CN311519, MONDO:0100485.

gnomAD v4.1: 6 of 1,614,070 alleles (0.00037%); highest among the groups gnomAD compares: Admixed American, 0.0017%; no homozygotes.

Submissions (2):

Labcorp Genetics (formerly Invitae), Labcorp
Classification: Likely benign. Last evaluated: 2024-01-29. Review status: criteria provided, single submitter. Criteria: Invitae Variant Classification Sherloc (09022015). Collection method: clinical testing. Allele origin: germline.

Victorian Clinical Genetics Services, Murdoch Childrens Research Institute
Classification: Uncertain significance for KCNH1 associated disorder. Last evaluated: 2022-09-02. Review status: criteria provided, single submitter. Criteria: ACMG Guidelines, 2015. Collection method: clinical testing. Allele origin: germline. Inheritance: Autosomal dominant inheritance.
Comment: A heterozygous missense variant was identified, NM_172362.2(KCNH1):c.2020C>T in exon 10 of 11 of the KCNH1 gene. This substitution is predicted to create a major amino acid change from an arginine to a tryptophan at position 674 of the protein; NP_758872.1(KCNH1):p.(Arg674Trp). The arginine at this position has very high conservation (100 vertebrates, UCSC), and is located within the CAP_ED functional domain (NCBI). In silico software predicts this variant to be damaging (Polyphen, SIFT, CADD, Mutation Taster). The variant is present in the gnomAD population database at a frequency of 0.00040% (1 heterozygote, 0 homozygotes). An alternative residue change at the same location has been reported in the gnomAD database at a frequency of 0.0040%. This variant has not previously been reported in clinical cases. Based on information available at the time of curation, this variant has been classified as a VUS.

NM_172362.3(KCNH1):c.2020C>T (p.Arg674Trp)

Gene: KCNH1 (potassium voltage-gated channel subfamily H member 1; minus strand). Cytogenetic location: 1q32.2.
Variant type: single nucleotide variant.
Coding change: c.2020C>T on transcript NM_172362.3 (MANE Select); coding-DNA position 2020, C replaced by T.
Protein change: p.Arg674Trp; replaces arginine 674 with tryptophan.
Molecular consequence: missense variant.
Genome position (GRCh38, 1-based): chr1:210,775,440, G>A on the plus strand (C>T on the coding strand, the complement: KCNH1 is on the minus strand). VCF-style: chr1-210775440-G-A. GRCh37 (hg19) VCF-style: chr1-210948782-G-A.
Other names: c.1939C>T, p.Arg647Trp (NM_002238.4); short protein forms R647W, R674W.
Identifiers: ClinVar variation 1633638 (VCV001633638.10), dbSNP rs754794236, ClinGen allele CA1379790.
Genomic context (GRCh38, chr1:210,775,440, plus strand): 5'-TCCGGGAGAAGGAATGGGAGAAGGCCGTGTAGAATTCCAGCACTTTCTGCAGGGCATCCC[G>A]CTTGATCACATGCAGATCACAGTAGGTCAAGGCCCTAACATTGGCACAGGACTGGGCAAG-3'
Protein context (NP_758872.1, residues 664-684): LTYCDLHVIK[Arg674Trp]DALQKVLEFY